The following is an entry in ClinVar:

ClinVar aggregate classification (germline): Uncertain significance (1 of 4 stars; one submission).

Allele frequency attached by ClinVar (database versions not stated): TOPMed below 0.00001; gnomAD 0.00001.
gnomAD v4.1: 1 of 1,552,748 alleles (0.000064%); highest among the groups gnomAD compares: Admixed American, 0.002%; no homozygotes.

Submission:

Labcorp Genetics (formerly Invitae), Labcorp
Classification: Uncertain significance. Last evaluated: 2022-02-22. Review status: criteria provided, single submitter. Criteria: Invitae Variant Classification Sherloc (09022015). Collection method: clinical testing. Allele origin: germline.
Comment: This sequence change replaces glycine, which is neutral and non-polar, with serine, which is neutral and polar, at codon 601 of the FUK protein (p.Gly601Ser). This variant is not present in population databases (gnomAD no frequency). This variant has not been reported in the literature in individuals affected with FUK-related conditions. Algorithms developed to predict the effect of missense changes on protein structure and function are either unavailable or do not agree on the potential impact of this missense change (SIFT: "Deleterious"; PolyPhen-2: "Benign"; Align-GVGD: "Class C0"). In summary, the available evidence is currently insufficient to determine the role of this variant in disease. Therefore, it has been classified as a Variant of Uncertain Significance.

NM_145059.3(FCSK):c.1801G>A (p.Gly601Ser)

Gene: FCSK (fucose kinase; plus strand). Cytogenetic location: 16q22.1.
Variant type: single nucleotide variant.
Coding change: c.1801G>A on transcript NM_145059.3 (MANE Select); coding-DNA position 1801, G replaced by A.
Protein change: p.Gly601Ser; replaces glycine 601 with serine.
Molecular consequence: missense variant.
Genome position (GRCh38, 1-based): chr16:70,474,152, G>A. VCF-style: chr16-70474152-G-A. GRCh37 (hg19) VCF-style: chr16-70508055-G-A.
Other names: short protein forms G601S.
Identifiers: ClinVar variation 2102087 (VCV002102087.4), dbSNP rs771178511, ClinGen allele CA396571428.